The following is an entry in ClinVar:

NM_001205293.3(CACNA1E):c.2909A>T (p.Glu970Val)

Gene: CACNA1E (calcium voltage-gated channel subunit alpha1 E; plus strand). Cytogenetic location: 1q25.3.
Variant type: single nucleotide variant.
Coding change: c.2909A>T on transcript NM_001205293.3 (MANE Select); coding-DNA position 2909, A replaced by T.
Protein change: p.Glu970Val; replaces glutamic acid 970 with valine.
Molecular consequence: missense variant.
Genome position (GRCh38, 1-based): chr1:181,732,995, A>T. VCF-style: chr1-181732995-A-T. GRCh37 (hg19) VCF-style: chr1-181702131-A-T.
Other names: c.2909A>T, p.Glu970Val (NM_000721.4); c.2852A>T, p.Glu951Val (NM_001205294.2); short protein forms E970V, E951V.
Identifiers: ClinVar variation 2005194 (VCV002005194.4), dbSNP rs1009207573, ClinGen allele CA343619483.

ClinVar aggregate classification (germline): Uncertain significance (1 of 4 stars; one submission).

Submission:

Labcorp Genetics (formerly Invitae), Labcorp
Classification: Uncertain significance. Last evaluated: 2022-11-08. Review status: criteria provided, single submitter. Criteria: Invitae Variant Classification Sherloc (09022015). Collection method: clinical testing. Allele origin: germline.
Comment: Algorithms developed to predict the effect of missense changes on protein structure and function (SIFT, PolyPhen-2, Align-GVGD) all suggest that this variant is likely to be tolerated. This variant has not been reported in the literature in individuals affected with CACNA1E-related conditions. This variant is not present in population databases (gnomAD no frequency). This sequence change replaces glutamic acid, which is acidic and polar, with valine, which is neutral and non-polar, at codon 970 of the CACNA1E protein (p.Glu970Val). In summary, the available evidence is currently insufficient to determine the role of this variant in disease. Therefore, it has been classified as a Variant of Uncertain Significance.